The following is an entry in ClinVar:

ClinVar aggregate classification (germline): Uncertain significance. Review status: criteria provided, single submitter (1 of 4 stars). 2 submissions from 2 submitters: Uncertain significance (1). 1 of the submissions does not count toward it. Last evaluated 2023-05-09.

Conditions:
Developmental and epileptic encephalopathy, 31A. Also called: Developmental and epileptic encephalopathy, 31; Epileptic encephalopathy, early infantile, 31. Identifiers: Orphanet 2382, MedGen C4225357, MONDO:0014598, OMIM 616346.

Submissions (2):

Blueprint Genetics
Classification: Uncertain significance. Last evaluated: 2023-05-09. Review status: criteria provided, single submitter. Criteria: ACMG Guidelines, 2015. Collection method: clinical testing. Allele origin: germline.

Center for Human Genetics and Genomic Medicine, Uniklinik Rwth Aachen
Classification: Uncertain significance for Developmental and epileptic encephalopathy, 31A. Last evaluated: 2025-07-07. Review status: no assertion criteria provided. Collection method: clinical testing. Allele origin: de novo. Inheritance: Sporadic. Affected: yes. Observed: 1 heterozygote. Not counted in ClinVar's aggregate classification.
Comment: In ClinVar, there is another entry of a variant of uncertain significance at the same amino acid position in a patient with a more severe phenotype. ACMG: PM1, PS2_sup, PM2_sup

NM_004408.4(DNM1):c.971G>A (p.Arg324His)

Gene: DNM1 (dynamin 1; plus strand). Cytogenetic location: 9q34.11.
Variant type: single nucleotide variant.
Coding change: c.971G>A on transcript NM_004408.4 (MANE Select); coding-DNA position 971, G replaced by A.
Protein change: p.Arg324His; replaces arginine 324 with histidine.
Molecular consequence: missense variant.
Genome position (GRCh38, 1-based): chr9:128,222,318, G>A. VCF-style: chr9-128222318-G-A. GRCh37 (hg19) VCF-style: chr9-130984597-G-A.
Other names: c.971G>A, p.Arg324His (NM_001005336.3, NM_001288737.2, NM_001288738.2 and 2 more transcripts); short protein forms R324H.
Identifiers: ClinVar variation 4057256 (VCV004057256.2).
Genomic context (GRCh38, chr9:128,222,318, plus strand): 5'-TACTGTCCATTGAGAAGGAGGTGGAGGAATACAAGAACTTCCGCCCTGATGACCCAGCTC[G>A]CAAGACCAAGGCCCTGCTGCAGTGAGGCTCCCCCAGCTCCTATCACTGAATCCCCGCCCC-3'
Protein context (NP_004399.2, residues 314-334): YKNFRPDDPA[Arg324His]KTKALLQMVQ